The following is an entry in ClinVar:

ClinVar aggregate classification (germline): Uncertain significance (1 of 4 stars; one submission).

Conditions:
Retinoblastoma (RB1). Also called: RETINOBLASTOMA, SOMATIC. Identifiers: Orphanet 790, MedGen C0035335, MeSH D012175, MONDO:0008380, OMIM 180200, HP:0009919. Disease mechanism: loss of function. Inheritance: Both sporadic and heritable forms are tested..

Submission:

Labcorp Genetics (formerly Invitae), Labcorp
Classification: Uncertain significance for Retinoblastoma. Last evaluated: 2025-12-14. Review status: criteria provided, single submitter. Criteria: Invitae Variant Classification Sherloc (09022015). Collection method: clinical testing. Allele origin: germline.
Comment: This variant occurs in a non-coding region of the RB1 gene. It does not change the encoded amino acid sequence of the RB1 protein. This variant is not present in population databases (gnomAD no frequency). This variant has not been reported in the literature in individuals affected with RB1-related conditions. Experimental studies and prediction algorithms are not available or were not evaluated, and the functional significance of this variant is currently unknown. In summary, the available evidence is currently insufficient to determine the role of this variant in disease. Therefore, it has been classified as a Variant of Uncertain Significance.

NC_000013.11:g.48303707C>T

Gene: RB1 (RB transcriptional corepressor 1; plus strand). Cytogenetic location: 13q14.2.
Variant type: single nucleotide variant.
Genome position: GRCh38 VCF-style: chr13-48303707-C-T. GRCh37 (hg19) VCF-style: chr13-48877843-C-T.
Identifiers: ClinVar variation 3670727 (VCV003670727.2).
Genomic context (GRCh38, chr13:48,303,707, plus strand): 5'-CGACCAGCGCCCCAGTTCCCCACAGACGCCGGCGGGCCCGGGAGCCTCGCGGACGTGACG[C>T]CGCGGGCGGAAGTGACGTTTTCCCGCGGTTGGACGCGGCGCTCAGTTGCCGGGCGGGGGA-3'